The following is an entry in ClinVar:

NM_000080.4(CHRNE):c.643C>T (p.Arg215Cys)

Genes: C17orf107 (chromosome 17 open reading frame 107; plus strand), CHRNE (cholinergic receptor nicotinic epsilon subunit; minus strand). Cytogenetic location: 17p13.2.
Variant type: single nucleotide variant.
Coding change: c.643C>T on transcript NM_000080.4 (MANE Select); coding-DNA position 643, C replaced by T.
Protein change: p.Arg215Cys; replaces arginine 215 with cysteine.
Molecular consequence: missense variant. On other transcripts: 3 prime UTR variant (1).
Genome position (GRCh38, 1-based): chr17:4,901,149, G>A on the plus strand (C>T on the coding strand, the complement: CHRNE is on the minus strand). VCF-style: chr17-4901149-G-A. GRCh37 (hg19) VCF-style: chr17-4804444-G-A.
Other names: c.*616G>A (NM_001145536.2); short protein forms R215C.
Identifiers: ClinVar variation 3354532 (VCV003354532.1).

ClinVar aggregate classification (germline): Uncertain significance (0 of 4 stars; one submission).

Conditions:
CHRNE-related disorder. Also called: CHRNE-related condition.

Submission:

PreventionGenetics, part of Exact Sciences
Classification: Uncertain significance for CHRNE-related condition. Last evaluated: 2024-09-09. Review status: no assertion criteria provided. Collection method: clinical testing. Allele origin: germline.
Comment: The CHRNE c.643C>T variant is predicted to result in the amino acid substitution p.Arg215Cys. To our knowledge, this variant has not been reported in the literature. This variant is reported in 0.0036% of alleles in individuals of European (Non-Finnish) descent in gnomAD. At this time, the clinical significance of this variant is uncertain due to the absence of conclusive functional and genetic evidence.